The following is an entry in ClinVar:

NM_001006630.2(CHRM2):c.256A>G (p.Ile86Val)

Genes: CHRM2 (cholinergic receptor muscarinic 2; plus strand), LOC349160 (uncharacterized LOC349160; minus strand). Cytogenetic location: 7q33.
Variant type: single nucleotide variant.
Coding change: c.256A>G on transcript NM_001006630.2 (MANE Select); coding-DNA position 256, A replaced by G.
Protein change: p.Ile86Val; replaces isoleucine 86 with valine.
Molecular consequence: missense variant.
Genome position (GRCh38, 1-based): chr7:137,015,121, A>G. VCF-style: chr7-137015121-A-G. GRCh37 (hg19) VCF-style: chr7-136699868-A-G.
Other names: c.256A>G, p.Ile86Val (NM_000739.3, NM_001006626.3, NM_001006627.3 and 6 more transcripts); short protein forms I86V.
Identifiers: ClinVar variation 2056917 (VCV002056917.4), dbSNP rs1435140915, ClinGen allele CA369486083.

ClinVar aggregate classification (germline): Uncertain significance (1 of 4 stars; one submission).

Allele frequency attached by ClinVar (database versions not stated): TOPMed below 0.00001; gnomAD exomes 0.00001.
gnomAD v4.1: 7 of 1,613,492 alleles (0.00043%); highest among the groups gnomAD compares: Non-Finnish European, 0.00059%; no homozygotes.

Submission:

Labcorp Genetics (formerly Invitae), Labcorp
Classification: Uncertain significance. Last evaluated: 2022-02-01. Review status: criteria provided, single submitter. Criteria: Invitae Variant Classification Sherloc (09022015). Collection method: clinical testing. Allele origin: germline.
Comment: In summary, the available evidence is currently insufficient to determine the role of this variant in disease. Therefore, it has been classified as a Variant of Uncertain Significance. Algorithms developed to predict the effect of sequence changes on RNA splicing suggest that this variant may create or strengthen a splice site. Algorithms developed to predict the effect of missense changes on protein structure and function (SIFT, PolyPhen-2, Align-GVGD) all suggest that this variant is likely to be tolerated. This variant has not been reported in the literature in individuals affected with CHRM2-related conditions. This variant is present in population databases (no rsID available, gnomAD 0.0009%). This sequence change replaces isoleucine, which is neutral and non-polar, with valine, which is neutral and non-polar, at codon 86 of the CHRM2 protein (p.Ile86Val).